The following is an entry in ClinVar:

ClinVar aggregate classification (germline): Uncertain significance. Review status: criteria provided, multiple submitters, no conflicts (2 of 4 stars). 3 submissions from 3 submitters: Uncertain significance (3). Last evaluated 2024-02-16.

Conditions:
Familial thoracic aortic aneurysm and aortic dissection (TAAD). Also called: Thoracic aortic aneurysms and dissections. Identifiers: Orphanet 91387, MedGen C4707243, MONDO:0019625.
Marfan syndrome (MFS). Also called: Marfan syndrome type 1; Marfan syndrome, classic; Marfan's syndrome; FBN1-Related Marfan Syndrome; MARFAN SYNDROME, TYPE I. Identifiers: Orphanet 284963, Orphanet 558, MedGen C0024796, MONDO:0007947, OMIM 154700.

Allele frequency attached by ClinVar (database versions not stated): gnomAD 0.00001; gnomAD exomes 0.00001; TOPMed 0.00001.
gnomAD v4.1: 13 of 1,613,986 alleles (0.00081%); highest among the groups gnomAD compares: Non-Finnish European, 0.001%; no homozygotes.

Submissions (3):

Color Diagnostics, LLC DBA Color Health
Classification: Uncertain significance for Familial thoracic aortic aneurysm and aortic dissection. Last evaluated: 2024-02-16. Review status: criteria provided, single submitter. Criteria: ACMG Guidelines, 2015. Collection method: clinical testing. Allele origin: germline.
Comment: This variant causes a T to A nucleotide substitution at the +6 position of intron 33 of the FBN1 gene. Splice site prediction tools are inconclusive regarding the impact of this variant on RNA splicing. To our knowledge, functional studies have not been reported for this variant. This variant has not been reported in individuals affected with FBN1-related disorders in the literature. This variant has not been identified in the general population by the Genome Aggregation Database (gnomAD). The available evidence is insufficient to determine the role of this variant in disease conclusively. Therefore, this variant is classified as a Variant of Uncertain Significance.

Blueprint Genetics
Classification: Uncertain significance. Last evaluated: 2024-01-18. Review status: criteria provided, single submitter. Criteria: ACMG Guidelines, 2015. Collection method: clinical testing. Allele origin: germline.

Labcorp Genetics (formerly Invitae), Labcorp
Classification: Uncertain significance for Marfan syndrome; Familial thoracic aortic aneurysm and aortic dissection. Last evaluated: 2021-09-25. Review status: criteria provided, single submitter. Criteria: Invitae Variant Classification Sherloc (09022015). Collection method: clinical testing. Allele origin: germline.
Comment: This sequence change falls in intron 33 of the FBN1 gene. It does not directly change the encoded amino acid sequence of the FBN1 protein. It affects a nucleotide within the consensus splice site of the intron. This variant is not present in population databases (ExAC no frequency). This variant has not been reported in the literature in individuals affected with FBN1-related conditions. ClinVar contains an entry for this variant (Variation ID: 527192). Variants that disrupt the consensus splice site are a relatively common cause of aberrant splicing (PMID: 17576681, 9536098). Algorithms developed to predict the effect of sequence changes on RNA splicing suggest that this variant may disrupt the consensus splice site. In summary, the available evidence is currently insufficient to determine the role of this variant in disease. Therefore, it has been classified as a Variant of Uncertain Significance.

Literature cited by the submitters: PubMed 17576681 (cited by Labcorp Genetics (formerly Invitae), Labcorp); PubMed 9536098 (cited by Labcorp Genetics (formerly Invitae), Labcorp).

NM_000138.5(FBN1):c.4087+6T>A

Gene: FBN1 (fibrillin 1; minus strand). Cytogenetic location: 15q21.1.
Variant type: single nucleotide variant.
Coding change: c.4087+6T>A on transcript NM_000138.5 (MANE Select); 6 bases into the intron after coding-DNA position 4087, T replaced by A.
Molecular consequence: intron variant.
Genome position (GRCh38, 1-based): chr15:48,474,522, A>T on the plus strand (T>A on the coding strand, the complement: FBN1 is on the minus strand). VCF-style: chr15-48474522-A-T. GRCh37 (hg19) VCF-style: chr15-48766719-A-T.
Identifiers: ClinVar variation 527192 (VCV000527192.8), dbSNP rs746201265, ClinGen allele CA658798359.